The following is an entry in ClinVar:

NM_017617.5(NOTCH1):c.2410G>C (p.Gly804Arg)

Gene: NOTCH1 (notch receptor 1; minus strand). Cytogenetic location: 9q34.3.
Variant type: single nucleotide variant.
Coding change: c.2410G>C on transcript NM_017617.5 (MANE Select); coding-DNA position 2410, G replaced by C.
Protein change: p.Gly804Arg; replaces glycine 804 with arginine.
Molecular consequence: missense variant.
Genome position (GRCh38, 1-based): chr9:136,513,078, C>G on the plus strand (G>C on the coding strand, the complement: NOTCH1 is on the minus strand). VCF-style: chr9-136513078-C-G. GRCh37 (hg19) VCF-style: chr9-139407530-C-G.
Other names: c.2410G>C (NM_017617.3); short protein forms G804R.
Identifiers: ClinVar variation 1912906 (VCV001912906.6), dbSNP rs766438580, ClinGen allele CA5341365.
Genomic context (GRCh38, chr9:136,513,078, plus strand): 5'-CACCTGTGTAGGGCAGCAGGCAGTTGCACTTGTACCCGGCAACGTCGTCAATACACGTGC[C>G]CTGGTTCAGACATGGGTTGGACGCACACTCGTTGATGTTGGTCTGGCAGTTGGGACCTGG-3'
Protein context (NP_060087.3, residues 794-814): ECASNPCLNQ[Gly804Arg]TCIDDVAGYK

ClinVar aggregate classification (germline): Uncertain significance. Review status: criteria provided, multiple submitters, no conflicts (2 of 4 stars). 2 submissions from 2 submitters: Uncertain significance (2). Last evaluated 2026-04-06.

Conditions:
Adams-Oliver syndrome 5 (AOS5). Identifiers: Orphanet 974, MedGen C4014970, MONDO:0014459, OMIM 616028.
Familial thoracic aortic aneurysm and aortic dissection (TAAD). Also called: Thoracic aortic aneurysms and dissections. Identifiers: Orphanet 91387, MedGen C4707243, MONDO:0019625.

Allele frequency attached by ClinVar (database versions not stated): TOPMed below 0.00001; ExAC 0.00001.

Submissions (2):

Ambry Genetics
Classification: Uncertain significance for Familial thoracic aortic aneurysm and aortic dissection. Last evaluated: 2026-04-06. Review status: criteria provided, single submitter. Criteria: Ambry Variant Classification Scheme 2023. Collection method: clinical testing. Allele origin: germline.
Comment: The c.2410G>C (p.G804R) alteration is located in exon 15 (coding exon 15) of the NOTCH1 gene. This alteration results from a G to C substitution at nucleotide position 2410, causing the glycine (G) at amino acid position 804 to be replaced by an arginine (R). Based on data from gnomAD, the C allele has an overall frequency of <0.001% (1/248500) total alleles studied. The highest observed frequency was 0.001% (1/112424) of European (non-Finnish) alleles. Based on insufficient or conflicting evidence, the clinical significance of this alteration remains unclear.

Labcorp Genetics (formerly Invitae), Labcorp
Classification: Uncertain significance for Adams-Oliver syndrome 5. Last evaluated: 2025-05-18. Review status: criteria provided, single submitter. Criteria: Invitae Variant Classification Sherloc (09022015). Collection method: clinical testing. Allele origin: germline.
Comment: This sequence change replaces glycine, which is neutral and non-polar, with arginine, which is basic and polar, at codon 804 of the NOTCH1 protein (p.Gly804Arg). This variant is present in population databases (rs766438580, gnomAD 0.0009%). This variant has not been reported in the literature in individuals affected with NOTCH1-related conditions. ClinVar contains an entry for this variant (Variation ID: 1912906). An algorithm developed to predict the effect of missense changes on protein structure and function (PolyPhen-2) suggests that this variant is likely to be disruptive. In summary, the available evidence is currently insufficient to determine the role of this variant in disease. Therefore, it has been classified as a Variant of Uncertain Significance.